The following is an entry in ClinVar:

ClinVar aggregate classification (germline): Uncertain significance (1 of 4 stars; one submission).

Conditions:
TRAF7-related disorder. Also called: TRAF7-related condition.

Allele frequency attached by ClinVar (database versions not stated): TOPMed 0.00001; ExAC 0.00002.
gnomAD v4.1: 1 of 1,612,170 alleles (0.000062%); highest among the groups gnomAD compares: African/African-American, 0.0013%; no homozygotes.

Submission:

PreventionGenetics, part of Exact Sciences
Classification: Uncertain significance for TRAF7-related condition. Last evaluated: 2023-03-10. Review status: criteria provided, single submitter. Criteria: ACMG Guidelines, 2015. Collection method: clinical testing. Allele origin: germline.
Comment: The TRAF7 c.642C>G variant is predicted to result in the amino acid substitution p.Ile214Met. To our knowledge, this variant has not been reported in the literature. This variant is reported in 0.0064% of alleles in individuals of African descent in gnomAD. At this time, the clinical significance of this variant is uncertain due to the absence of conclusive functional and genetic evidence.

NM_032271.3(TRAF7):c.642C>G (p.Ile214Met)

Gene: TRAF7 (TNF receptor associated factor 7; plus strand). Cytogenetic location: 16p13.3.
Variant type: single nucleotide variant.
Coding change: c.642C>G on transcript NM_032271.3 (MANE Select); coding-DNA position 642, C replaced by G.
Protein change: p.Ile214Met; replaces isoleucine 214 with methionine.
Molecular consequence: missense variant.
Genome position (GRCh38, 1-based): chr16:2,172,357, C>G. VCF-style: chr16-2172357-C-G. GRCh37 (hg19) VCF-style: chr16-2222358-C-G.
Other names: short protein forms I214M.
Identifiers: ClinVar variation 2630532 (VCV002630532.1), dbSNP rs769966564, ClinGen allele CA7834667.